The following is an entry in ClinVar:

NM_000548.5(TSC2):c.1666T>C (p.Ser556Pro)

Gene: TSC2 (TSC complex subunit 2; plus strand). Cytogenetic location: 16p13.3.
Variant type: single nucleotide variant.
Coding change: c.1666T>C on transcript NM_000548.5 (MANE Select); coding-DNA position 1666, T replaced by C.
Protein change: p.Ser556Pro; replaces serine 556 with proline.
Molecular consequence: missense variant.
Genome position (GRCh38, 1-based): chr16:2,065,585, T>C. VCF-style: chr16-2065585-T-C. GRCh37 (hg19) VCF-style: chr16-2115586-T-C.
Other names: c.1666T>C, p.Ser556Pro (NM_001077183.3, NM_001114382.3, NM_001363528.2 and 6 more transcripts); c.1555T>C, p.Ser519Pro (NM_001318827.2, NM_001406678.1, NM_001406670.1); c.1519T>C, p.Ser507Pro (NM_001318829.2, NM_001406675.1, NM_001406676.1 and 1 more transcripts); c.1066T>C, p.Ser356Pro (NM_001318831.2, NM_001406680.1, NM_001406682.1 and 6 more transcripts); c.1699T>C, p.Ser567Pro (NM_001318832.2); c.1609T>C, p.Ser537Pro (NM_001406677.1); c.1204T>C, p.Ser402Pro (NM_001406681.1); c.322T>C, p.Ser108Pro (NM_001406694.1, NM_001406695.1, NM_001406696.1 and 6 more transcripts); and 3 more; short protein forms S402P, S537P, S108P, S507P, S556P, S567P, S586P, S22P.
Identifiers: ClinVar variation 2102647 (VCV002102647.4), dbSNP rs2151208996, ClinGen allele CA394268091.

ClinVar aggregate classification (germline): Uncertain significance (1 of 4 stars; one submission).

Conditions:
Tuberous sclerosis 2 (TSC2). Identifiers: Orphanet 805, MedGen C1860707, MONDO:0013199, OMIM 613254.

Submission:

Labcorp Genetics (formerly Invitae), Labcorp
Classification: Uncertain significance for Tuberous sclerosis 2. Last evaluated: 2022-03-12. Review status: criteria provided, single submitter. Criteria: Invitae Variant Classification Sherloc (09022015). Collection method: clinical testing. Allele origin: germline.
Comment: This sequence change replaces serine, which is neutral and polar, with proline, which is neutral and non-polar, at codon 556 of the TSC2 protein (p.Ser556Pro). This variant is not present in population databases (gnomAD no frequency). This variant has not been reported in the literature in individuals affected with TSC2-related conditions. Advanced modeling of protein sequence and biophysical properties (such as structural, functional, and spatial information, amino acid conservation, physicochemical variation, residue mobility, and thermodynamic stability) performed at Invitae indicates that this missense variant is not expected to disrupt TSC2 protein function. In summary, the available evidence is currently insufficient to determine the role of this variant in disease. Therefore, it has been classified as a Variant of Uncertain Significance.